The following is an entry in ClinVar:

NM_000834.5(GRIN2B):c.3588T>C (p.Pro1196=)

Gene: GRIN2B (glutamate ionotropic receptor NMDA type subunit 2B; minus strand). Cytogenetic location: 12p13.1.
Variant type: single nucleotide variant.
Coding change: c.3588T>C on transcript NM_000834.5 (MANE Select); coding-DNA position 3588, T replaced by C.
Protein change: p.Pro1196=; no amino-acid change (proline 1196 retained).
Molecular consequence: synonymous variant.
Genome position (GRCh38, 1-based): chr12:13,563,650, A>G on the plus strand (T>C on the coding strand, the complement: GRIN2B is on the minus strand). VCF-style: chr12-13563650-A-G. GRCh37 (hg19) VCF-style: chr12-13716584-A-G.
Identifiers: ClinVar variation 1220938 (VCV001220938.9), dbSNP rs200884387, ClinGen allele CA6460873.

ClinVar aggregate classification (germline): Benign/Likely benign. Review status: criteria provided, multiple submitters, no conflicts (2 of 4 stars). 4 submissions from 4 submitters: Benign (2); Likely benign (2). Last evaluated 2025-11-27.

Conditions:
GRIN2B-related disorder. Also called: GRIN2B-related condition.
Intellectual developmental disorder, autosomal dominant 6, with or without seizures. Also called: Intellectual disability, autosomal dominant 6; GRIN2B-related developmental delay, intellectual disability and autism spectrum disorder. Identifiers: Orphanet 589547, MedGen C3151411, MONDO:0013509, OMIM 613970.
Developmental and epileptic encephalopathy, 27 (DEE27). Also called: Epileptic encephalopathy, early infantile, 27; GRIN2B-Related Neurodevelopmental Disorder. Identifiers: Orphanet 3451, MedGen C4015316, MONDO:0014505, OMIM 616139.
Inborn genetic diseases. Identifiers: MedGen C0950123, MeSH D030342.

Allele frequency attached by ClinVar (database versions not stated): gnomAD 0.00001 and 0.00002; TOPMed below 0.00001; ExAC 0.00007; gnomAD exomes 0.00005 and 0.00010.
gnomAD v4.1: 78 of 1,613,764 alleles (0.0048%); highest among the groups gnomAD compares: South Asian, 0.082%; 1 homozygote.

Submissions (4):

Labcorp Genetics (formerly Invitae), Labcorp
Classification: Benign for Developmental and epileptic encephalopathy, 27; Intellectual developmental disorder, autosomal dominant 6, with or without seizures. Last evaluated: 2025-11-27. Review status: criteria provided, single submitter. Criteria: Invitae Variant Classification Sherloc (09022015). Collection method: clinical testing. Allele origin: germline.

PreventionGenetics, part of Exact Sciences
Classification: Likely benign for GRIN2B-related condition. Last evaluated: 2025-07-16. Review status: criteria provided, single submitter. Criteria: ACMG Guidelines, 2015. Collection method: clinical testing. Allele origin: germline.
Comment: This variant is classified as likely benign based on ACMG/AMP sequence variant interpretation guidelines (Richards et al. 2015 PMID: 25741868, with internal and published modifications).

GeneDx
Classification: Benign. Last evaluated: 2021-05-06. Review status: criteria provided, single submitter. Criteria: GeneDx Variant Classification Process June 2021. Collection method: clinical testing. Allele origin: germline. Affected: yes.

Ambry Genetics
Classification: Likely benign for Inborn genetic diseases. Last evaluated: 2017-07-21. Review status: criteria provided, single submitter. Criteria: Ambry Variant Classification Scheme 2023. Collection method: clinical testing. Allele origin: germline.